The following is an entry in ClinVar:

NM_015272.5(RPGRIP1L):c.1525C>A (p.Leu509Met)

Gene: RPGRIP1L (RPGRIP1 like; minus strand). Cytogenetic location: 16q12.2.
Variant type: single nucleotide variant.
Coding change: c.1525C>A on transcript NM_015272.5 (MANE Select); coding-DNA position 1525, C replaced by A.
Protein change: p.Leu509Met; replaces leucine 509 with methionine.
Molecular consequence: missense variant.
Genome position (GRCh38, 1-based): chr16:53,657,509, G>T on the plus strand (C>A on the coding strand, the complement: RPGRIP1L is on the minus strand). VCF-style: chr16-53657509-G-T. GRCh37 (hg19) VCF-style: chr16-53691421-G-T.
Other names: c.1525C>A (NM_015272.4); c.1525C>A, p.Leu509Met (NM_001127897.4, NM_001308334.3, NM_001330538.2); short protein forms L509M.
Identifiers: ClinVar variation 2510975 (VCV002510975.6), dbSNP rs780528142, ClinGen allele CA8057779.

ClinVar aggregate classification (germline): Uncertain significance. Review status: criteria provided, multiple submitters, no conflicts (2 of 4 stars). 3 submissions from 3 submitters: Uncertain significance (3). Last evaluated 2026-03-30.

Conditions:
Inborn genetic diseases. Identifiers: MedGen C0950123, MeSH D030342.
COACH syndrome 3. Identifiers: MedGen C5436841, MONDO:0030862, OMIM 619113.
Joubert syndrome 7 (JBTS7). Identifiers: Orphanet 220497, MedGen C1969053, MONDO:0012694, OMIM 611560.
Meckel syndrome, type 5 (MKS5). Identifiers: Orphanet 564, MedGen C1969052, MONDO:0012695, OMIM 611561.
RPGRIP1L-related disorder. Also called: RPGRIP1L-related condition; RPGRIP1L-related disorders. Identifiers: MedGen CN239416.

Allele frequency attached by ClinVar (database versions not stated): ExAC 0.00001; gnomAD 0.00001; TOPMed 0.00001.
gnomAD v4.1: 2 of 1,612,690 alleles (0.00012%); highest among the groups gnomAD compares: Admixed American, 0.0033%; no homozygotes.

Submissions (3):

PreventionGenetics, part of Exact Sciences
Classification: Uncertain significance for RPGRIP1L-related condition. Last evaluated: 2026-03-30. Review status: criteria provided, single submitter. Criteria: ACMG Guidelines, 2015. Collection method: clinical testing. Allele origin: germline.
Comment: The RPGRIP1L c.1525C>A variant is predicted to result in the amino acid substitution p.Leu509Met. To our knowledge, this variant has not been reported in the literature or in a large population database, indicating this variant is rare. At this time, the clinical significance of this variant is uncertain due to the absence of conclusive functional and genetic evidence.

Ambry Genetics
Classification: Uncertain significance for Inborn genetic diseases. Last evaluated: 2025-08-10. Review status: criteria provided, single submitter. Criteria: Ambry Variant Classification Scheme 2023. Collection method: clinical testing. Allele origin: germline.

Fulgent Genetics
Classification: Uncertain significance for Joubert syndrome 7; Meckel syndrome, type 5; COACH syndrome 3. Last evaluated: 2024-01-22. Review status: criteria provided, single submitter. Criteria: ACMG Guidelines, 2015. Collection method: clinical testing. Allele origin: germline.